The following is an entry in ClinVar:

ClinVar aggregate classification (germline): Uncertain significance. Review status: criteria provided, multiple submitters, no conflicts (2 of 4 stars). 2 submissions from 2 submitters: Uncertain significance (2). Last evaluated 2025-08-29.

Conditions:
Inborn genetic diseases. Identifiers: MedGen C0950123, MeSH D030342.
Multiple gastrointestinal atresias. Also called: FAMILIAL INTESTINAL POLYATRESIA SYNDROME; Multiple intestinal atresia. Identifiers: Orphanet 2300, MedGen C0220744, MONDO:0009465.

Allele frequency attached by ClinVar (database versions not stated): gnomAD exomes 0.00001; ExAC 0.00002; TOPMed 0.00003; gnomAD 0.00005; ESP Exome Variant Server 0.00008.
gnomAD v4.1: 10 of 1,614,112 alleles (0.00062%); highest among the groups gnomAD compares: African/African-American, 0.012%; no homozygotes.

Submissions (2):

Ambry Genetics
Classification: Uncertain significance for Inborn genetic diseases. Last evaluated: 2025-08-29. Review status: criteria provided, single submitter. Criteria: Ambry Variant Classification Scheme 2023. Collection method: clinical testing. Allele origin: germline.

Labcorp Genetics (formerly Invitae), Labcorp
Classification: Uncertain significance for Multiple gastrointestinal atresias. Last evaluated: 2022-08-31. Review status: criteria provided, single submitter. Criteria: Invitae Variant Classification Sherloc (09022015). Collection method: clinical testing. Allele origin: germline.
Comment: This sequence change replaces glutamic acid, which is acidic and polar, with glutamine, which is neutral and polar, at codon 617 of the TTC7A protein (p.Glu617Gln). This variant is present in population databases (rs376138112, gnomAD 0.02%). This variant has not been reported in the literature in individuals affected with TTC7A-related conditions. ClinVar contains an entry for this variant (Variation ID: 1502570). Algorithms developed to predict the effect of missense changes on protein structure and function are either unavailable or do not agree on the potential impact of this missense change (SIFT: "Deleterious"; PolyPhen-2: "Possibly Damaging"; Align-GVGD: "Class C0"). In summary, the available evidence is currently insufficient to determine the role of this variant in disease. Therefore, it has been classified as a Variant of Uncertain Significance.

NM_020458.4(TTC7A):c.1849G>C (p.Glu617Gln)

Gene: TTC7A (tetratricopeptide repeat domain 7A; plus strand). Cytogenetic location: 2p21.
Variant type: single nucleotide variant.
Coding change: c.1849G>C on transcript NM_020458.4 (MANE Select); coding-DNA position 1849, G replaced by C.
Protein change: p.Glu617Gln; replaces glutamic acid 617 with glutamine.
Molecular consequence: missense variant.
Genome position (GRCh38, 1-based): chr2:47,046,361, G>C. VCF-style: chr2-47046361-G-C. GRCh37 (hg19) VCF-style: chr2-47273500-G-C.
Other names: c.1849G>C, p.Glu617Gln (NM_001288951.2); c.1747G>C, p.Glu583Gln (NM_001288953.2); c.787G>C, p.Glu263Gln (NM_001288955.2); c.1849G>C (NM_020458.2); short protein forms E583Q, E263Q, E617Q.
Identifiers: ClinVar variation 1502570 (VCV001502570.6), dbSNP rs376138112, ClinGen allele CA1647881.